The following is an entry in ClinVar:

NM_004984.4(KIF5A):c.1637G>T (p.Arg546Leu)

Gene: KIF5A (kinesin family member 5A; plus strand). Cytogenetic location: 12q13.3.
Variant type: single nucleotide variant.
Coding change: c.1637G>T on transcript NM_004984.4 (MANE Select); coding-DNA position 1637, G replaced by T.
Protein change: p.Arg546Leu; replaces arginine 546 with leucine.
Molecular consequence: missense variant.
Genome position (GRCh38, 1-based): chr12:57,572,647, G>T. VCF-style: chr12-57572647-G-T. GRCh37 (hg19) VCF-style: chr12-57966430-G-T.
Other names: c.1370G>T, p.Arg457Leu (NM_001354705.2); c.1637G>T (NM_004984.2); short protein forms R546L, R457L.
Identifiers: ClinVar variation 2961067 (VCV002961067.4), dbSNP rs199608047, ClinGen allele CA385507805.

ClinVar aggregate classification (germline): Uncertain significance. Review status: criteria provided, multiple submitters, no conflicts (2 of 4 stars). 2 submissions from 2 submitters: Uncertain significance (2). Last evaluated 2024-03-31.

Conditions:
Spastic paraplegia. Identifiers: MedGen C0037772, HP:0001258.
Inborn genetic diseases. Identifiers: MedGen C0950123, MeSH D030342.

Submissions (2):

Ambry Genetics
Classification: Uncertain significance for Inborn genetic diseases. Last evaluated: 2024-03-31. Review status: criteria provided, single submitter. Criteria: Ambry Variant Classification Scheme 2023. Collection method: clinical testing. Allele origin: germline.

Labcorp Genetics (formerly Invitae), Labcorp
Classification: Uncertain significance for Spastic paraplegia. Last evaluated: 2023-04-06. Review status: criteria provided, single submitter. Criteria: Invitae Variant Classification Sherloc (09022015). Collection method: clinical testing. Allele origin: germline.
Comment: This sequence change replaces arginine, which is basic and polar, with leucine, which is neutral and non-polar, at codon 546 of the KIF5A protein (p.Arg546Leu). This variant is not present in population databases (gnomAD no frequency). This variant has not been reported in the literature in individuals affected with KIF5A-related conditions. Advanced modeling of protein sequence and biophysical properties (such as structural, functional, and spatial information, amino acid conservation, physicochemical variation, residue mobility, and thermodynamic stability) has been performed at Invitae for this missense variant, however the output from this modeling did not meet the statistical confidence thresholds required to predict the impact of this variant on KIF5A protein function. In summary, the available evidence is currently insufficient to determine the role of this variant in disease. Therefore, it has been classified as a Variant of Uncertain Significance.